The following is an entry in ClinVar:

NM_000404.4(GLB1):c.994G>A (p.Asp332Asn)

Gene: GLB1 (galactosidase beta 1; minus strand). Cytogenetic location: 3p22.3.
Variant type: single nucleotide variant.
Coding change: c.994G>A on transcript NM_000404.4 (MANE Select); coding-DNA position 994, G replaced by A.
Protein change: p.Asp332Asn; replaces aspartic acid 332 with asparagine.
Molecular consequence: missense variant.
Genome position (GRCh38, 1-based): chr3:33,046,194, C>T on the plus strand (G>A on the coding strand, the complement: GLB1 is on the minus strand). VCF-style: chr3-33046194-C-T. GRCh37 (hg19) VCF-style: chr3-33087686-C-T.
Other names: c.994G>A (NM_000404.2, NM_000404.3); c.904G>A, p.Asp302Asn (NM_001079811.3); c.601G>A, p.Asp201Asn (NM_001135602.3); c.1138G>A, p.Asp380Asn (NM_001317040.2); short protein forms D201N, D302N, D332N, D380N.
Identifiers: ClinVar variation 1071414 (VCV001071414.11), dbSNP rs781658798, ClinGen allele CA2299525.

ClinVar aggregate classification (germline): Pathogenic/Likely pathogenic. Review status: criteria provided, multiple submitters, no conflicts (2 of 4 stars). 5 submissions from 5 submitters: Pathogenic (4); Likely pathogenic (1). Last evaluated 2025-06-11.

Conditions:
GM1 gangliosidosis type 3. Also called: GANGLIOSIDOSIS, GENERALIZED GM1, ADULT TYPE; GANGLIOSIDOSIS, GENERALIZED GM1, CHRONIC TYPE; GANGLIOSIDOSIS, GENERALIZED GM1, TYPE III; Gangliosidosis, Generalized GM1, Type 3; Beta-galactosidase deficiency; Adult GM1 gangliosidosis. Identifiers: Orphanet 79257, MedGen C0268273, MONDO:0009262, OMIM 230650.
Mucopolysaccharidosis, MPS-IV-B (MPS4B). Also called: Mucopolysaccharidosis type IV B; Mucopolysaccharidosis Type IVB; Mucopolysaccharidosis type 4B; Mucopolysaccharidosis type IVB (Morquio); MPS IVB; MORQUIO SYNDROME B. Identifiers: Orphanet 309310, Orphanet 582, MedGen C0086652, MONDO:0009660, OMIM 253010.
GM1 gangliosidosis type 2. Also called: GANGLIOSIDOSIS, GENERALIZED GM1, JUVENILE TYPE; GANGLIOSIDOSIS, GENERALIZED GM1, TYPE II; Gangliosidosis, Generalized GM1, Type 2; Juvenile GM>1< gangliosidosis; GM1-GANGLIOSIDOSIS, TYPE II. Identifiers: Orphanet 354, Orphanet 79256, MedGen C0268272, MONDO:0009261, OMIM 230600.
Infantile GM1 gangliosidosis. Also called: Gangliosidosis, Generalized GM1, Type 1; GM1-gangliosidosis, type I; Gangliosidosis, generalized GM1, infantile form; GLB1 deficiency; GM1 gangliosidosis type 1. Identifiers: Orphanet 354, Orphanet 79255, MedGen C0268271, MONDO:0009260, OMIM 230500.
GM1 gangliosidosis. Identifiers: Orphanet 354, MedGen C0085131, MONDO:0018149.

Allele frequency attached by ClinVar (database versions not stated): ExAC 0.00001; gnomAD exomes 0.00001; TOPMed 0.00001; gnomAD 0.00002.
gnomAD v4.1: 20 of 1,613,870 alleles (0.0012%); highest among the groups gnomAD compares: African/African-American, 0.0027%; no homozygotes.

Submissions (5):

Natera, Inc.
Classification: Likely pathogenic for Mucopolysaccharidosis, MPS-IV-B. Last evaluated: 2025-06-11. Review status: criteria provided, single submitter. Criteria: Natera Variant Classification Schema (03/2026). Collection method: clinical testing. Allele origin: germline.
Comment: The c.994G>A variant in GLB1 is a missense variant predicted to cause substitution of aspartic acid to asparagine at amino acid 332. This variant is rare in the general population with a frequency below the threshold expected for the associated phenotype(s). This variant has been observed in one or more individuals affected with the associated recessive disease, as either homozygous or compound heterozygous with a second variant (PMID: 21497194, 25936995, 10839995). Functional studies show that this variant may disrupt protein function (PMID: 10839995, 23337983). Computational prediction algorithms indicate this variant is likely to affect gene or protein function. Given the available evidence, this variant is classified as Likely Pathogenic.

GeneDx
Classification: Pathogenic. Last evaluated: 2025-04-01. Review status: criteria provided, single submitter. Criteria: GeneDx Variant Classification Process June 2021. Collection method: clinical testing. Allele origin: germline. Affected: yes.
Comment: Published functional studies demonstrate a damaging effect; enzymatic activity assays showed <1% residual activity (PMID: 10839995); Not observed at significant frequency in large population cohorts (gnomAD); In silico analysis supports that this missense variant has a deleterious effect on protein structure/function; This variant is associated with the following publications: (PMID: 25525159, 21497194, 10839995, 18353697)

Fulgent Genetics
Classification: Pathogenic for Infantile GM1 gangliosidosis; GM1 gangliosidosis type 2; GM1 gangliosidosis type 3; Mucopolysaccharidosis, MPS-IV-B. Last evaluated: 2024-05-17. Review status: criteria provided, single submitter. Criteria: ACMG Guidelines, 2015. Collection method: clinical testing. Allele origin: germline.

Women's Health and Genetics/Laboratory Corporation of America, LabCorp
Classification: Pathogenic for GM1 gangliosidosis. Last evaluated: 2024-05-16. Review status: criteria provided, single submitter. Criteria: LabCorp Variant Classification Summary - May 2015. Collection method: clinical testing. Allele origin: germline.
Comment: Variant summary: GLB1 c.994G>A (p.Asp332Asn) results in a conservative amino acid change in the encoded protein sequence. Four of five in-silico tools predict a damaging effect of the variant on protein function. The variant was absent in 249530 control chromosomes. c.994G>A has been reported in the literature in individuals affected with GM1 Gangliosidosis (e.g. Zhang_2000, Bidchol_2015, Caciotti_2011). These data indicate that the variant is likely to be associated with disease. At least one publication reports experimental evidence evaluating an impact on protein function, finding that the variant results in <1% of enzymatic activity (Zhang_2000). The following publications have been ascertained in the context of this evaluation (PMID: 10839995, 21497194, 25936995). ClinVar contains an entry for this variant (Variation ID: 1071414). Based on the evidence outlined above, the variant was classified as pathogenic.

Labcorp Genetics (formerly Invitae), Labcorp
Classification: Pathogenic for Mucopolysaccharidosis, MPS-IV-B; GM1 gangliosidosis. Last evaluated: 2023-09-12. Review status: criteria provided, single submitter. Criteria: Invitae Variant Classification Sherloc (09022015). Collection method: clinical testing. Allele origin: germline.
Comment: ClinVar contains an entry for this variant (Variation ID: 1071414). For these reasons, this variant has been classified as Pathogenic. Experimental studies have shown that this missense change affects GLB1 function (PMID: 10839995, 10841810, 18353697). Advanced modeling of protein sequence and biophysical properties (such as structural, functional, and spatial information, amino acid conservation, physicochemical variation, residue mobility, and thermodynamic stability) performed at Invitae indicates that this missense variant is expected to disrupt GLB1 protein function. This missense change has been observed in individual(s) with GM1 gangliosidosis (PMID: 10839995, 19472408, 21497194, 25936995). This variant is present in population databases (rs781658798, gnomAD 0.004%). This sequence change replaces aspartic acid, which is acidic and polar, with asparagine, which is neutral and polar, at codon 332 of the GLB1 protein (p.Asp332Asn).

Literature cited by the submitters: PubMed 21497194 (cited by 3 submitters); PubMed 25936995 (cited by 3 submitters); PubMed 10839995 (cited by 3 submitters); PubMed 23337983 (cited by Natera, Inc.); PubMed 10841810 (cited by Labcorp Genetics (formerly Invitae), Labcorp); PubMed 18353697 (cited by Labcorp Genetics (formerly Invitae), Labcorp); PubMed 19472408 (cited by Labcorp Genetics (formerly Invitae), Labcorp).